The following is an entry in ClinVar:

NM_000540.3(RYR1):c.2291A>G (p.Gln764Arg)

Gene: RYR1 (ryanodine receptor 1; plus strand). Cytogenetic location: 19q13.2.
Variant type: single nucleotide variant.
Coding change: c.2291A>G on transcript NM_000540.3 (MANE Select); coding-DNA position 2291, A replaced by G.
Protein change: p.Gln764Arg; replaces glutamine 764 with arginine.
Molecular consequence: missense variant.
Genome position (GRCh38, 1-based): chr19:38,459,269, A>G. VCF-style: chr19-38459269-A-G. GRCh37 (hg19) VCF-style: chr19-38949909-A-G.
Other names: c.2291A>G, p.Gln764Arg (NM_001042723.2); short protein forms Q764R.
Identifiers: ClinVar variation 3073570 (VCV003073570.2), dbSNP rs1435625875, ClinGen allele CA405628005.

ClinVar aggregate classification (germline): Uncertain significance. Review status: criteria provided, multiple submitters, no conflicts (2 of 4 stars). 2 submissions from 2 submitters: Uncertain significance (2). Last evaluated 2025-09-05.

Conditions:
Malignant hyperthermia, susceptibility to, 1 (MHS1). Also called: Anesthesia related hyperthermia; Malignant hyperpyrexia; Fulminating hyperpyrexia; Pharmacogenic myopathy; RYR1-Related Malignant Hyperthermia Susceptibility; Malignant hyperthermia suceptibility 1. Identifiers: Orphanet 423, MedGen C2930980, MONDO:0007783, OMIM 145600.

Allele frequency attached by ClinVar (database versions not stated): gnomAD exomes below 0.00001.
gnomAD v4.1: 2 of 1,614,048 alleles (0.00012%); highest among the groups gnomAD compares: East Asian, 0.0022%; no homozygotes.

Submissions (2):

Color Diagnostics, LLC DBA Color Health
Classification: Uncertain significance for Malignant hyperthermia, susceptibility to, 1. Last evaluated: 2025-09-05. Review status: criteria provided, single submitter. Criteria: ACMG Guidelines, 2015. Collection method: clinical testing. Allele origin: germline.
Comment: This missense variant replaces glutamine with arginine at codon 764 of the RYR1 protein. Computational prediction suggests that this variant may not impact protein structure and function. To our knowledge, functional studies have not been reported for this variant. This variant has not been reported in individuals affected with RYR1-related disorders in the literature. This variant has been identified in 2/251462 chromosomes in the general population by the Genome Aggregation Database (gnomAD). The available evidence is insufficient to determine the role of this variant in disease conclusively. Therefore, this variant is classified as a Variant of Uncertain Significance.

All of Us Research Program, National Institutes of Health
Classification: Uncertain significance for Malignant hyperthermia, susceptibility to, 1. Last evaluated: 2023-10-02. Review status: criteria provided, single submitter. Criteria: ACMG Guidelines, 2015. Collection method: clinical testing. Allele origin: germline. Inheritance: Autosomal dominant inheritance. Observed: 1 variant allele, 1 heterozygote.
Comment: This missense variant replaces glutamine with arginine at codon 764 of the RYR1 protein. Computational prediction suggests that this variant may not impact protein structure and function (internally defined REVEL score threshold <= 0.5, PMID: 27666373). To our knowledge, functional studies have not been reported for this variant. This variant has not been reported in individuals affected with RYR1-related disorders in the literature. This variant has been identified in 2/251462 chromosomes in the general population by the Genome Aggregation Database (gnomAD). The available evidence is insufficient to determine the role of this variant in disease conclusively. Therefore, this variant is classified as a Variant of Uncertain Significance.

This study involves interpretation of variants in research participants for the purpose of population health screening. Participant phenotype was not available at the time of variant classification. Additional details can be found in publication PMID: 35346344, PMCID: PMC8962531